The following is an entry in ClinVar:

NM_152383.5(DIS3L2):c.1327A>G (p.Met443Val)

Gene: DIS3L2 (DIS3 like 3'-5' exoribonuclease 2; plus strand). Cytogenetic location: 2q37.1.
Variant type: single nucleotide variant.
Coding change: c.1327A>G on transcript NM_152383.5 (MANE Select); coding-DNA position 1327, A replaced by G.
Protein change: p.Met443Val; replaces methionine 443 with valine.
Molecular consequence: missense variant. On other transcripts: non-coding transcript variant (2).
Genome position (GRCh38, 1-based): chr2:232,249,248, A>G. VCF-style: chr2-232249248-A-G. GRCh37 (hg19) VCF-style: chr2-233113958-A-G.
Other names: c.1327A>G, p.Met443Val (NM_001257281.2); short protein forms M443V.
Identifiers: ClinVar variation 1052228 (VCV001052228.7), dbSNP rs564953594, ClinGen allele CA67523425.

ClinVar aggregate classification (germline): Uncertain significance (1 of 4 stars; one submission).

Conditions:
Perlman syndrome (PRLMNS). Identifiers: Orphanet 2849, MedGen C0796113, MONDO:0009965, OMIM 267000.

Submission:

Labcorp Genetics (formerly Invitae), Labcorp
Classification: Uncertain significance for Perlman syndrome. Last evaluated: 2022-04-09. Review status: criteria provided, single submitter. Criteria: Invitae Variant Classification Sherloc (09022015). Collection method: clinical testing. Allele origin: germline.
Comment: This variant has not been reported in the literature in individuals affected with DIS3L2-related conditions. This variant is not present in population databases (gnomAD no frequency). This sequence change replaces methionine, which is neutral and non-polar, with valine, which is neutral and non-polar, at codon 443 of the DIS3L2 protein (p.Met443Val). In summary, the available evidence is currently insufficient to determine the role of this variant in disease. Therefore, it has been classified as a Variant of Uncertain Significance. Algorithms developed to predict the effect of missense changes on protein structure and function are either unavailable or do not agree on the potential impact of this missense change (SIFT: "Deleterious"; PolyPhen-2: "Probably Damaging"; Align-GVGD: "Class C0"). ClinVar contains an entry for this variant (Variation ID: 1052228).